The following is an entry in ClinVar:

NM_002485.5(NBN):c.2108T>G (p.Ile703Ser)

Gene: NBN (nibrin; minus strand). Cytogenetic location: 8q21.3.
Variant type: single nucleotide variant.
Coding change: c.2108T>G on transcript NM_002485.5 (MANE Select); coding-DNA position 2108, T replaced by G.
Protein change: p.Ile703Ser; replaces isoleucine 703 with serine.
Molecular consequence: missense variant.
Genome position (GRCh38, 1-based): chr8:89,943,329, A>C on the plus strand (T>G on the coding strand, the complement: NBN is on the minus strand). VCF-style: chr8-89943329-A-C. GRCh37 (hg19) VCF-style: chr8-90955557-A-C.
Other names: c.1862T>G, p.Ile621Ser (NM_001024688.3); short protein forms I621S, I703S.
Identifiers: ClinVar variation 2106474 (VCV002106474.4), dbSNP rs1554555819, ClinGen allele CA371675682.
Genomic context (GRCh38, chr8:89,943,329, plus strand): 5'-AGCCACTCTTCTAGTTCTGTATTCTTTCGAGCATGATGAGCTATTAGATCTGATCCTCCA[A>C]TGATGTGTGGAAGTTTTCCTGCTCCAGGATATGTGACCTATTGAATAATAAAAGTAGTAC-3'
Protein context (NP_002476.2, residues 693-713): YPGAGKLPHI[Ile703Ser]GGSDLIAHHA

ClinVar aggregate classification (germline): Uncertain significance (1 of 4 stars; one submission).

Conditions:
Microcephaly, normal intelligence and immunodeficiency (NBS). Also called: IMMUNODEFICIENCY, MICROCEPHALY, AND CHROMOSOMAL INSTABILITY; Immunodeficiency, microcephaly with normal intelligence; BERLIN BREAKAGE SYNDROME; SEEMANOVA SYNDROME II; Ataxia telangiectasia variant V1; Nijmegen breakage syndrome. Identifiers: Orphanet 647, MedGen C0398791, MONDO:0009623, OMIM 251260.

Submission:

Labcorp Genetics (formerly Invitae), Labcorp
Classification: Uncertain significance for Microcephaly, normal intelligence and immunodeficiency. Last evaluated: 2022-03-03. Review status: criteria provided, single submitter. Criteria: Invitae Variant Classification Sherloc (09022015). Collection method: clinical testing. Allele origin: germline.
Comment: This sequence change replaces isoleucine, which is neutral and non-polar, with serine, which is neutral and polar, at codon 703 of the NBN protein (p.Ile703Ser). This variant is not present in population databases (gnomAD no frequency). In summary, the available evidence is currently insufficient to determine the role of this variant in disease. Therefore, it has been classified as a Variant of Uncertain Significance. Algorithms developed to predict the effect of missense changes on protein structure and function are either unavailable or do not agree on the potential impact of this missense change (SIFT: "Tolerated"; PolyPhen-2: "Probably Damaging"; Align-GVGD: "Class C0"). This variant has not been reported in the literature in individuals affected with NBN-related conditions.